The following is an entry in ClinVar:

ClinVar aggregate classification (germline): Benign. Review status: criteria provided, multiple submitters, no conflicts (2 of 4 stars). 2 submissions from 2 submitters: Benign (2). Last evaluated 2018-01-12.

Conditions:
Occult macular dystrophy (OCMD). Also called: OMD; OCCULT MACULAR DYSTROPHY, SUSCEPTIBILITY TO. Identifiers: Orphanet 247834, MedGen C3150833, MONDO:0013316, OMIM 613587, HP:0030636.

Allele frequency attached by ClinVar (database versions not stated): 1000 Genomes Project 0.56050; gnomAD 0.66630 and 0.65874; gnomAD exomes 0.68601; 1000 Genomes Project 30x 0.56230; TOPMed 0.64877.
gnomAD v4.1: 109,136 of 164,978 alleles (66%); highest among the groups gnomAD compares: Non-Finnish European, 74%; 36,956 homozygotes.

Submissions (2):

Illumina Laboratory Services, Illumina
Classification: Benign for Occult macular dystrophy. Last evaluated: 2018-01-12. Review status: criteria provided, single submitter. Criteria: ICSL Variant Classification Criteria 13 December 2019. Collection method: clinical testing. Allele origin: germline.
Comment: This variant was observed in the ICSL laboratory as part of a predisposition screen in an ostensibly healthy population. It had not been previously curated by ICSL or reported in the Human Gene Mutation Database (HGMD: prior to June 1st, 2018), and was therefore a candidate for classification through an automated scoring system. Utilizing variant allele frequency, disease prevalence and penetrance estimates, and inheritance mode, an automated score was calculated to assess if this variant is too frequent to cause the disease. Based on the score and internal cut-off values, a variant classified as benign is not then subjected to further curation. The score for this variant resulted in a classification of benign for this disease.

Breakthrough Genomics
Classification: Benign. Review status: criteria provided, single submitter. Criteria: ACMG Guidelines, 2015. Collection method: not provided. Allele origin: germline. Inheritance: Autosomal recessive inheritance. Affected: yes.

NM_178857.6(RP1L1):c.*461T>G

Gene: RP1L1 (RP1 like 1). Cytogenetic location: 8p23.1.
Variant type: single nucleotide variant.
Coding change: c.*461T>G on transcript NM_178857.6 (MANE Select); 461 bases downstream of the stop codon, T replaced by G.
Molecular consequence: 3 prime UTR variant.
Genome position (GRCh38, 1-based): chr8:10,606,434, A>C on the plus strand (T>G on the coding strand, the complement: RP1L1 is on the minus strand). VCF-style: chr8-10606434-A-C. GRCh37 (hg19) VCF-style: chr8-10463944-A-C.
Identifiers: ClinVar variation 361187 (VCV000361187.6), dbSNP rs7816990, ClinGen allele CA10629779.